The following is an entry in ClinVar:

ClinVar aggregate classification (germline): Uncertain significance (1 of 4 stars; one submission).

Conditions:
Primary ciliary dyskinesia. Also called: Ciliary dyskinesia. Identifiers: Orphanet 244, MedGen C0008780, MONDO:0016575, HP:0012265.

Allele frequency attached by ClinVar (database versions not stated): gnomAD exomes below 0.00001; ExAC 0.00001; TOPMed 0.00002; ESP Exome Variant Server 0.00008.
gnomAD v4.1: 4 of 1,613,986 alleles (0.00025%); highest among the groups gnomAD compares: South Asian, 0.0011%; no homozygotes.

Submission:

Labcorp Genetics (formerly Invitae), Labcorp
Classification: Uncertain significance for Primary ciliary dyskinesia. Last evaluated: 2025-08-14. Review status: criteria provided, single submitter. Criteria: Invitae Variant Classification Sherloc (09022015). Collection method: clinical testing. Allele origin: germline.
Comment: This sequence change replaces serine, which is neutral and polar, with leucine, which is neutral and non-polar, at codon 594 of the CCDC114 protein (p.Ser594Leu). This variant is present in population databases (rs143219618, gnomAD 0.0009%). This variant has not been reported in the literature in individuals affected with CCDC114-related conditions. ClinVar contains an entry for this variant (Variation ID: 659747). An algorithm developed to predict the effect of missense changes on protein structure and function (PolyPhen-2) suggests that this variant is likely to be tolerated. In summary, the available evidence is currently insufficient to determine the role of this variant in disease. Therefore, it has been classified as a Variant of Uncertain Significance.

NM_001364171.2(ODAD1):c.1892C>T (p.Ser631Leu)

Gene: ODAD1 (outer dynein arm docking complex subunit 1; minus strand). Cytogenetic location: 19q13.33.
Variant type: single nucleotide variant.
Coding change: c.1892C>T on transcript NM_001364171.2 (MANE Select); coding-DNA position 1892, C replaced by T.
Protein change: p.Ser631Leu; replaces serine 631 with leucine.
Molecular consequence: missense variant.
Genome position (GRCh38, 1-based): chr19:48,297,208, G>A on the plus strand (C>T on the coding strand, the complement: ODAD1 is on the minus strand). VCF-style: chr19-48297208-G-A. GRCh37 (hg19) VCF-style: chr19-48800465-G-A.
Other names: c.1781C>T, p.Ser594Leu (NM_144577.4); short protein forms S631L, S594L.
Identifiers: ClinVar variation 659747 (VCV000659747.9), dbSNP rs143219618, ClinGen allele CA9548538.